The following is an entry in ClinVar:

ClinVar aggregate classification (germline): Uncertain significance (1 of 4 stars; one submission).

Submission:

Ambry Genetics
Classification: Uncertain significance. Last evaluated: 2023-01-21. Review status: criteria provided, single submitter. Criteria: Ambry Variant Classification Scheme 2023. Collection method: clinical testing. Allele origin: germline.
Comment: The p.G665V variant (also known as c.1994G>T), located in coding exon 18 of the PRKDC gene, results from a G to T substitution at nucleotide position 1994. The glycine at codon 665 is replaced by valine, an amino acid with dissimilar properties. This amino acid position is conserved. In addition, the in silico prediction for this alteration is inconclusive. Since supporting evidence is limited at this time, the clinical significance of this alteration remains unclear.

NM_006904.7(PRKDC):c.1994G>T (p.Gly665Val)

Gene: PRKDC (protein kinase, DNA-activated, catalytic subunit; minus strand). Cytogenetic location: 8q11.21.
Variant type: single nucleotide variant.
Coding change: c.1994G>T on transcript NM_006904.7 (MANE Select); coding-DNA position 1994, G replaced by T.
Protein change: p.Gly665Val; replaces glycine 665 with valine.
Molecular consequence: missense variant.
Genome position (GRCh38, 1-based): chr8:47,929,911, C>A on the plus strand (G>T on the coding strand, the complement: PRKDC is on the minus strand). VCF-style: chr8-47929911-C-A. GRCh37 (hg19) VCF-style: chr8-48842471-C-A.
Other names: c.1994G>T, p.Gly665Val (NM_001081640.2); short protein forms G665V.
Identifiers: ClinVar variation 2497427 (VCV002497427.2), dbSNP rs2551878614, ClinGen allele CA371164196.
Genomic context (GRCh38, chr8:47,929,911, plus strand): 5'-ACCTCGAAATATTTTATTTTCTTGGCATTTCTTACTGTAATAGAAAGCAATTTGTAGAAA[C>A]CACTGATGAGGGGCAACCTTGTAGATTGCAAAATTAATTCATATGAAAATGAGTACACCC-3'
Protein context (NP_008835.5, residues 655-675): LQSTRLPLIS[Gly665Val]FYKLLSITVR